The following is an entry in ClinVar:

NM_017662.5(TRPM6):c.895G>A (p.Val299Ile)

Gene: TRPM6 (transient receptor potential cation channel subfamily M member 6; minus strand). Cytogenetic location: 9q21.13.
Variant type: single nucleotide variant.
Coding change: c.895G>A on transcript NM_017662.5 (MANE Select); coding-DNA position 895, G replaced by A.
Protein change: p.Val299Ile; replaces valine 299 with isoleucine.
Molecular consequence: missense variant.
Genome position (GRCh38, 1-based): chr9:74,821,784, C>T on the plus strand (G>A on the coding strand, the complement: TRPM6 is on the minus strand). VCF-style: chr9-74821784-C-T. GRCh37 (hg19) VCF-style: chr9-77436700-C-T.
Other names: c.895G>A (NM_017662.4); c.880G>A, p.Val294Ile (NM_001177310.2, NM_001177311.2); short protein forms V299I, V294I.
Identifiers: ClinVar variation 1905020 (VCV001905020.3), dbSNP rs775988564, ClinGen allele CA5085000.
Genomic context (GRCh38, chr9:74,821,784, plus strand): 5'-TGCCCTCACACACCACCACTGGGTCCTTGTCCTTGACAGTCTCCCACACTGACAGGATGA[C>T]GTTGGGACCGCCTTCCACCACCAGCCCCACGACCGGCACGCCTTGTCTTGAGCCTATTCC-3'
Protein context (NP_060132.3, residues 289-309): VGLVVEGGPN[Val299Ile]ILSVWETVKD

ClinVar aggregate classification (germline): Uncertain significance. Review status: criteria provided, multiple submitters, no conflicts (2 of 4 stars). 2 submissions from 2 submitters: Uncertain significance (2). Last evaluated 2026-06-17.

Conditions:
Inborn genetic diseases. Identifiers: MedGen C0950123, MeSH D030342.

Allele frequency attached by ClinVar (database versions not stated): gnomAD exomes below 0.00001; ExAC 0.00001.
gnomAD v4.1: 2 of 1,614,204 alleles (0.00012%); highest among the groups gnomAD compares: Admixed American, 0.0017%; no homozygotes.

Submissions (2):

Ambry Genetics
Classification: Uncertain significance for Inborn genetic diseases. Last evaluated: 2026-06-17. Review status: criteria provided, single submitter. Criteria: Ambry Variant Classification Scheme 2023. Collection method: clinical testing. Allele origin: germline.

Labcorp Genetics (formerly Invitae), Labcorp
Classification: Uncertain significance. Last evaluated: 2022-07-19. Review status: criteria provided, single submitter. Criteria: Invitae Variant Classification Sherloc (09022015). Collection method: clinical testing. Allele origin: germline.
Comment: This sequence change replaces valine, which is neutral and non-polar, with isoleucine, which is neutral and non-polar, at codon 299 of the TRPM6 protein (p.Val299Ile). This variant is present in population databases (rs775988564, gnomAD 0.003%). This variant has not been reported in the literature in individuals affected with TRPM6-related conditions. Algorithms developed to predict the effect of missense changes on protein structure and function (SIFT, PolyPhen-2, Align-GVGD) all suggest that this variant is likely to be tolerated. In summary, the available evidence is currently insufficient to determine the role of this variant in disease. Therefore, it has been classified as a Variant of Uncertain Significance.